The following is an entry in ClinVar:

NM_006904.7(PRKDC):c.1676G>C (p.Ser559Thr)

Gene: PRKDC (protein kinase, DNA-activated, catalytic subunit; minus strand). Cytogenetic location: 8q11.21.
Variant type: single nucleotide variant.
Coding change: c.1676G>C on transcript NM_006904.7 (MANE Select); coding-DNA position 1676, G replaced by C.
Protein change: p.Ser559Thr; replaces serine 559 with threonine.
Molecular consequence: missense variant.
Genome position (GRCh38, 1-based): chr8:47,933,120, C>G on the plus strand (G>C on the coding strand, the complement: PRKDC is on the minus strand). VCF-style: chr8-47933120-C-G. GRCh37 (hg19) VCF-style: chr8-48845680-C-G.
Other names: c.1676G>C, p.Ser559Thr (NM_001081640.2); short protein forms S559T.
Identifiers: ClinVar variation 542008 (VCV000542008.9), dbSNP rs1038089558, ClinGen allele CA176165543.

ClinVar aggregate classification (germline): Uncertain significance. Review status: criteria provided, multiple submitters, no conflicts (2 of 4 stars). 3 submissions from 3 submitters: Uncertain significance (2). 1 of the submissions does not count toward it. Last evaluated 2024-08-05.

Conditions:
PRKDC-related disorder. Also called: PRKDC-related condition.
Severe combined immunodeficiency due to DNA-PKcs deficiency. Also called: IMMUNODEFICIENCY 26 WITH NEUROLOGIC ABNORMALITIES; Immunodeficiency 26 with or without neurologic abnormalities. Identifiers: Orphanet 317425, MedGen C4014833, MONDO:0014423, OMIM 615966.

Allele frequency attached by ClinVar (database versions not stated): gnomAD exomes 0.00004 and 0.00001; gnomAD 0.00001; TOPMed 0.00002.
gnomAD v4.1: 54 of 1,567,354 alleles (0.0034%); highest among the groups gnomAD compares: Non-Finnish European, 0.0043%; no homozygotes.

Submissions (3):

Labcorp Genetics (formerly Invitae), Labcorp
Classification: Uncertain significance for Severe combined immunodeficiency due to DNA-PKcs deficiency. Last evaluated: 2024-08-05. Review status: criteria provided, single submitter. Criteria: Invitae Variant Classification Sherloc (09022015). Collection method: clinical testing. Allele origin: germline.
Comment: This sequence change replaces serine, which is neutral and polar, with threonine, which is neutral and polar, at codon 559 of the PRKDC protein (p.Ser559Thr). This variant is present in population databases (no rsID available, gnomAD 0.002%). This variant has not been reported in the literature in individuals affected with PRKDC-related conditions. ClinVar contains an entry for this variant (Variation ID: 542008). Advanced modeling of protein sequence and biophysical properties (such as structural, functional, and spatial information, amino acid conservation, physicochemical variation, residue mobility, and thermodynamic stability) has been performed at Invitae for this missense variant, however the output from this modeling did not meet the statistical confidence thresholds required to predict the impact of this variant on PRKDC protein function. In summary, the available evidence is currently insufficient to determine the role of this variant in disease. Therefore, it has been classified as a Variant of Uncertain Significance.

Ambry Genetics
Classification: Uncertain significance. Last evaluated: 2023-09-22. Review status: criteria provided, single submitter. Criteria: Ambry Variant Classification Scheme 2023. Collection method: clinical testing. Allele origin: germline.

PreventionGenetics, part of Exact Sciences
Classification: Uncertain significance for PRKDC-related condition. Last evaluated: 2024-08-02. Review status: no assertion criteria provided. Collection method: clinical testing. Allele origin: germline. Not counted in ClinVar's aggregate classification.
Comment: The PRKDC c.1676G>C variant is predicted to result in the amino acid substitution p.Ser559Thr. To our knowledge, this variant has not been reported in the literature. This variant is reported in 0.0023% of alleles in individuals of European (Non-Finnish) descent in gnomAD. At this time, the clinical significance of this variant is uncertain due to the absence of conclusive functional and genetic evidence.